The following is an entry in ClinVar:

NM_005956.4(MTHFD1):c.1420G>C (p.Ala474Pro)

Gene: MTHFD1 (methylenetetrahydrofolate dehydrogenase, cyclohydrolase and formyltetrahydrofolate synthetase 1; plus strand). Cytogenetic location: 14q23.3.
Variant type: single nucleotide variant.
Coding change: c.1420G>C on transcript NM_005956.4 (MANE Select); coding-DNA position 1420, G replaced by C.
Protein change: p.Ala474Pro; replaces alanine 474 with proline.
Molecular consequence: missense variant.
Genome position (GRCh38, 1-based): chr14:64,431,787, G>C. VCF-style: chr14-64431787-G-C. GRCh37 (hg19) VCF-style: chr14-64898505-G-C.
Other names: c.1420G>C, p.Ala474Pro (NM_001364837.1); short protein forms A474P.
Identifiers: ClinVar variation 1383885 (VCV001383885.8), dbSNP rs768985677, ClinGen allele CA7226250.
Genomic context (GRCh38, chr14:64,431,787, plus strand): 5'-GATGCAGGTAGCAAAGCAGTGGGGCTCCTCTCATTTTAAAGCCCCTTTCTTTTCTTTAAG[G>C]CTCTCTTTAATCGTTTGGTGCCATCAGTAAATGGAGTGAGAAGGTTCTCTGACATCCAAA-3'
Protein context (NP_005947.3, residues 464-484): IFHELTQTDK[Ala474Pro]LFNRLVPSVN

ClinVar aggregate classification (germline): Uncertain significance (1 of 4 stars; one submission).

Allele frequency attached by ClinVar (database versions not stated): gnomAD exomes below 0.00001; ExAC 0.00001.

Submission:

Labcorp Genetics (formerly Invitae), Labcorp
Classification: Uncertain significance. Last evaluated: 2022-09-23. Review status: criteria provided, single submitter. Criteria: Invitae Variant Classification Sherloc (09022015). Collection method: clinical testing. Allele origin: germline.
Comment: In summary, the available evidence is currently insufficient to determine the role of this variant in disease. Therefore, it has been classified as a Variant of Uncertain Significance. Algorithms developed to predict the effect of sequence changes on RNA splicing suggest that this variant may disrupt the consensus splice site. Algorithms developed to predict the effect of missense changes on protein structure and function are either unavailable or do not agree on the potential impact of this missense change (SIFT: "Deleterious"; PolyPhen-2: "Probably Damaging"; Align-GVGD: "Class C0"). ClinVar contains an entry for this variant (Variation ID: 1383885). This variant has not been reported in the literature in individuals affected with MTHFD1-related conditions. The frequency data for this variant in the population databases is considered unreliable, as metrics indicate poor data quality at this position in the gnomAD database. This sequence change replaces alanine, which is neutral and non-polar, with proline, which is neutral and non-polar, at codon 474 of the MTHFD1 protein (p.Ala474Pro).